The following is an entry in ClinVar:

ClinVar aggregate classification (germline): Uncertain significance (1 of 4 stars; one submission).

Submission:

Labcorp Genetics (formerly Invitae), Labcorp
Classification: Uncertain significance. Last evaluated: 2023-07-11. Review status: criteria provided, single submitter. Criteria: Invitae Variant Classification Sherloc (09022015). Collection method: clinical testing. Allele origin: germline.
Comment: This variant, c.1447_1455del, results in the deletion of 3 amino acid(s) of the MSN protein (p.Gln483_Glu485del), but otherwise preserves the integrity of the reading frame. This variant is present in population databases (rs759400750, gnomAD 0.004%), including at least one homozygous and/or hemizygous individual. This variant has not been reported in the literature in individuals affected with MSN-related conditions. Experimental studies and prediction algorithms are not available or were not evaluated, and the functional significance of this variant is currently unknown. In summary, the available evidence is currently insufficient to determine the role of this variant in disease. Therefore, it has been classified as a Variant of Uncertain Significance.

NM_002444.3(MSN):c.1438CAGGATGAG[1] (p.480QDE[1])

Gene: MSN (moesin; plus strand). Cytogenetic location: Xq12.
Variant type: Microsatellite.
Coding change: c.1438CAGGATGAG[1] on transcript NM_002444.3 (MANE Select); one copy of the 9-base unit CAGGATGAG starting at c.1438; the reference has two copies in a row; one copy, 9 bases deleted.
Protein change: p.480QDE[1].
Molecular consequence: inframe deletion.
Genome position (GRCh38, 1-based): chrX:65,739,072-65,739,080, CAGGATGAG deleted; deleting any 9 consecutive bases within chrX:65,739,058-65,739,080 gives the same sequence; the position shown is the placement nearest the transcript's 3' end. VCF-style (leftmost placement, unchanged base first): chrX-65739057-AATGAGCAGG-A. GRCh37 (hg19) VCF-style: chrX-64958919-AATGAGCAGG-A.
Identifiers: ClinVar variation 2901747 (VCV002901747.3), dbSNP rs759400750, ClinGen allele CA10434677.
Genomic context (GRCh38, chrX:65,739,057, plus strand): 5'-AAGACCCGTGCTGAGCTGAAGACTGCCATGAGTACACCTCATGTGGCAGAGCCTGCTGAG[AATGAGCAGG>A]ATGAGCAGGATGAGAATGGGGCAGAGGCTAGTGCTGACCTACGGGCTGATGCTATGGCCA-3'